The following is an entry in ClinVar:

NM_033305.3(VPS13A):c.6969C>A (p.Tyr2323Ter)

Gene: VPS13A (vacuolar protein sorting 13 homolog A; plus strand). Cytogenetic location: 9q21.2.
Variant type: single nucleotide variant.
Coding change: c.6969C>A on transcript NM_033305.3 (MANE Select); coding-DNA position 6969, C replaced by A.
Protein change: p.Tyr2323Ter; replaces tyrosine 2323 with a stop codon.
Molecular consequence: nonsense.
Genome position (GRCh38, 1-based): chr9:77,340,493, C>A. VCF-style: chr9-77340493-C-A. GRCh37 (hg19) VCF-style: chr9-79955409-C-A.
Other names: c.6852C>A, p.Tyr2284Ter (NM_001018037.2); c.6969C>A, p.Tyr2323Ter (NM_001018038.3, NM_015186.4); short protein forms Y2284*, Y2323*.
Identifiers: ClinVar variation 2809141 (VCV002809141.3), dbSNP rs2538080332, ClinGen allele CA373852049.

ClinVar aggregate classification (germline): Pathogenic (1 of 4 stars; one submission).

Submission:

Labcorp Genetics (formerly Invitae), Labcorp
Classification: Pathogenic. Last evaluated: 2022-10-31. Review status: criteria provided, single submitter. Criteria: Invitae Variant Classification Sherloc (09022015). Collection method: clinical testing. Allele origin: germline.
Comment: This sequence change creates a premature translational stop signal (p.Tyr2323*) in the VPS13A gene. It is expected to result in an absent or disrupted protein product. Loss-of-function variants in VPS13A are known to be pathogenic (PMID: 12404112, 21598378). This variant is not present in population databases (gnomAD no frequency). This variant has not been reported in the literature in individuals affected with VPS13A-related conditions. For these reasons, this variant has been classified as Pathogenic.

Literature cited by the submitters: PubMed 12404112; PubMed 21598378.